The following is an entry in ClinVar:

NM_000092.5(COL4A4):c.853G>A (p.Gly285Arg)

Gene: COL4A4 (collagen type IV alpha 4 chain; minus strand). Cytogenetic location: 2q36.3.
Variant type: single nucleotide variant.
Coding change: c.853G>A on transcript NM_000092.5 (MANE Select); coding-DNA position 853, G replaced by A.
Protein change: p.Gly285Arg; replaces glycine 285 with arginine.
Molecular consequence: missense variant.
Genome position (GRCh38, 1-based): chr2:227,103,161, C>T on the plus strand (G>A on the coding strand, the complement: COL4A4 is on the minus strand). VCF-style: chr2-227103161-C-T. GRCh37 (hg19) VCF-style: chr2-227967877-C-T.
Other names: short protein forms G285R.
Identifiers: ClinVar variation 1699943 (VCV001699943.2), dbSNP rs2150793962, ClinGen allele CA350857597.

ClinVar aggregate classification (germline): Pathogenic (0 of 4 stars; one submission).

Conditions:
Autosomal recessive Alport syndrome (ATS2). Also called: COL4A4 Alport Syndrome and Thin Basement Membrane Nephropathy; ALPORT SYNDROME 2, AUTOSOMAL RECESSIVE; Alport syndrome type 2; COL4A3-Related Nephropathy. Identifiers: Orphanet 63, Orphanet 88919, MedGen C4746745, MONDO:0008762, OMIM 203780.

Submission:

H. Huang Group, Central South University
Classification: Pathogenic for Autosomal recessive Alport syndrome. Last evaluated: 2022-01-01. Review status: no assertion criteria provided. Collection method: research. Allele origin: germline. Inheritance: Autosomal recessive inheritance. Affected: yes and no. Observed: 3 variant alleles, 3 homozygotes.
Comment: We enrolled a Chinese family where the affected individuals suffered from recurrent hematuria and proteinuria. After data filtering, a novel heterozygous COL4A4 variant (NM_000092: c.853G>A/p. G285A) was identified as the putative genetic lesion in the affected individuals. Further co-segregation analysis using Sanger sequencing confirmed that this novel COL4A4 mutation (c.853G>A/p. G285A) exists only in the affected individuals and is absent in other healthy family members as well as in the control cohort of 200 individuals from the same locality. A bioinformatics-based prediction analysis revealed that this mutation is pathogenic and may disrupt the structure and function of type IV collagen. This variant is located at an evolutionarily conserved site of COL4A4.

Literature cited by the submitters: DOI 10.1053/j.ajkd.2014.01.416; DOI 10.1681/ASN.2020071065; DOI 10.1002/mgg3.1545.